The following is an entry in ClinVar:

NM_002693.3(POLG):c.122_130dup (p.Gln43_Gln44insArgArgGln)

Genes: POLG (DNA polymerase gamma, catalytic subunit; minus strand), POLGARF (POLG alternative reading frame; minus strand). Cytogenetic location: 15q26.1.
Variant type: Duplication.
Coding change: c.122_130dup on transcript NM_002693.3 (MANE Select); coding-DNA positions 122 to 130, 9 bases duplicated (GGCGGCAGC; older notation c.122_130dupGGCGGCAGC).
Protein change: p.Gln43_Gln44insArgArgGln.
Genome position (GRCh38, 1-based): chr15:89,333,625-89,333,633, GCTGCCGCC duplicated on the plus strand (GGCGGCAGC on the coding strand, the reverse complement: POLG is on the minus strand); duplicating any 9 consecutive bases within chr15:89,333,625-89,333,635 gives the same sequence; the c. name uses the placement nearest the transcript's 3' end. VCF-style (leftmost placement, unchanged base first): chr15-89333624-T-TGCTGCCGCC. GRCh37 (hg19) VCF-style: chr15-89876855-T-TGCTGCCGCC.
Other names: c.177_185dup, p.Ala71_Thr72insAlaAlaAla (NM_001430120.1); c.122_130dup, p.Gln43_Gln44insArgArgGln (NM_001126131.2).
Identifiers: ClinVar variation 3665526 (VCV003665526.2).

ClinVar aggregate classification (germline): Uncertain significance (1 of 4 stars; one submission).

Conditions:
Progressive sclerosing poliodystrophy (MTDPS4A). Also called: ALPERS PROGRESSIVE INFANTILE POLIODYSTROPHY; NEURONAL DEGENERATION OF CHILDHOOD WITH LIVER DISEASE, PROGRESSIVE; Alpers Syndrome; ALPERS DIFFUSE DEGENERATION OF CEREBRAL GRAY MATTER WITH HEPATIC CIRRHOSIS; Alpers-Huttenlocher Syndrome; Mitochondrial DNA depletion syndrome 4A (Alpers type). Identifiers: Orphanet 726, MedGen C0205710, MONDO:0008758, OMIM 203700.

Submission:

Labcorp Genetics (formerly Invitae), Labcorp
Classification: Uncertain significance for Progressive sclerosing poliodystrophy. Last evaluated: 2025-06-02. Review status: criteria provided, single submitter. Criteria: Invitae Variant Classification Sherloc (09022015). Collection method: clinical testing. Allele origin: germline.
Comment: This variant, c.122_130dup, results in the insertion of 3 amino acid(s) of the POLG protein (p.Arg41_Gln43dup), but otherwise preserves the integrity of the reading frame. The frequency data for this variant in the population databases is considered unreliable, as metrics indicate poor data quality at this position in the gnomAD database. This variant has not been reported in the literature in individuals affected with POLG-related conditions. ClinVar contains an entry for this variant (Variation ID: 3665526). In summary, the available evidence is currently insufficient to determine the role of this variant in disease. Therefore, it has been classified as a Variant of Uncertain Significance.